The following is an entry in ClinVar:

NM_001069.3(TUBB2A):c.270C>T (p.Phe90=)

Gene: TUBB2A (tubulin beta 2A class IIa; minus strand). Cytogenetic location: 6p25.2.
Variant type: single nucleotide variant.
Coding change: c.270C>T on transcript NM_001069.3 (MANE Select); coding-DNA position 270, C replaced by T.
Protein change: p.Phe90=; no amino-acid change (phenylalanine 90 retained).
Molecular consequence: synonymous variant. On other transcripts: 5 prime UTR variant (1).
Genome position (GRCh38, 1-based): chr6:3,155,632, G>A on the plus strand (C>T on the coding strand, the complement: TUBB2A is on the minus strand). VCF-style: chr6-3155632-G-A. GRCh37 (hg19) VCF-style: chr6-3155866-G-A.
Other names: c.-118C>T (NM_001310315.2).
Identifiers: ClinVar variation 2139251 (VCV002139251.31), dbSNP rs562003687, ClinGen allele CA3619049.

ClinVar aggregate classification (germline): Likely benign. Review status: criteria provided, multiple submitters, no conflicts (2 of 4 stars). 2 submissions from 2 submitters: Likely benign (2). Last evaluated 2024-10-28.

Allele frequency attached by ClinVar (database versions not stated): gnomAD exomes below 0.00001; TOPMed 0.00001; ExAC 0.00002; gnomAD 0.00002; 1000 Genomes Project 30x 0.00031; 1000 Genomes Project 0.00040.
gnomAD v4.1: 8 of 1,612,092 alleles (0.0005%); highest among the groups gnomAD compares: East Asian, 0.0045%; no homozygotes.

Submissions (2):

Labcorp Genetics (formerly Invitae), Labcorp
Classification: Likely benign. Last evaluated: 2024-10-28. Review status: criteria provided, single submitter. Criteria: Invitae Variant Classification Sherloc (09022015). Collection method: clinical testing. Allele origin: germline.

CeGaT Center for Human Genetics Tuebingen
Classification: Likely benign. Last evaluated: 2023-04-01. Review status: criteria provided, single submitter. Criteria: CeGaT Center For Human Genetics Tuebingen Variant Classification Criteria Version 2. Collection method: clinical testing. Allele origin: germline. Affected: yes. Observed: 1 variant allele.
Comment: TUBB2A: BP4, BP7